The following is an entry in ClinVar:

ClinVar aggregate classification (germline): Uncertain significance (1 of 4 stars; one submission).

Conditions:
Hereditary cancer-predisposing syndrome. Also called: Neoplastic Syndromes, Hereditary; Tumor predisposition; Hereditary neoplastic syndrome; Hereditary Cancer Syndrome. Identifiers: Orphanet 140162, MedGen C0027672, MeSH D009386, MONDO:0015356.

gnomAD v4.1: 2 of 150,958 alleles (0.0013%); highest among the groups gnomAD compares: African/African-American, 0.0024%; no homozygotes.

Submission:

Ambry Genetics
Classification: Uncertain significance for Hereditary cancer-predisposing syndrome. Last evaluated: 2025-10-27. Review status: criteria provided, single submitter. Criteria: Ambry Variant Classification Scheme 2023. Collection method: clinical testing. Allele origin: germline.
Comment: The c.245-1443C>T intronic variant results from a C to T substitution 1443 nucleotides upstream from coding exon 2 in the TMEM127 gene. This nucleotide position is well conserved in available vertebrate species. In silico splice site analysis predicts that this alteration may result in the creation or strengthening of a novel splice acceptor site. RNA studies have demonstrated that this alteration results in a splice defect; the clinical impact of this abnormal splicing is unknown at this time (Ambry internal data). Based on the available evidence, the clinical significance of this alteration remains unclear.

NM_017849.4(TMEM127):c.245-1443C>T

Gene: TMEM127 (transmembrane protein 127; minus strand). Cytogenetic location: 2q11.2.
Variant type: single nucleotide variant.
Coding change: c.245-1443C>T on transcript NM_017849.4 (MANE Select); 1443 bases into the intron before coding-DNA position 245, C replaced by T.
Molecular consequence: intron variant.
Genome position (GRCh38, 1-based): chr2:96,256,440, G>A on the plus strand (C>T on the coding strand, the complement: TMEM127 is on the minus strand). VCF-style: chr2-96256440-G-A. GRCh37 (hg19) VCF-style: chr2-96922178-G-A.
Other names: c.-8-1443C>T (NM_001407283.1, NM_001407282.1); c.245-1443C>T (NM_001193304.3).
Identifiers: ClinVar variation 3326695 (VCV003326695.3).